The following is an entry in ClinVar:

NM_000082.4(ERCC8):c.1123-2dup

Gene: ERCC8 (ERCC excision repair 8, CSA ubiquitin ligase complex subunit; minus strand). Cytogenetic location: 5q12.1.
Variant type: Duplication.
Coding change: c.1123-2dup on transcript NM_000082.4 (MANE Select); the canonical splice acceptor site of the intron before coding-DNA position 1123, one base duplicated (A; older notation c.1123-2dupA).
Molecular consequence: splice acceptor variant.
Genome position (GRCh38, 1-based): chr5:60,874,685, T duplicated on the plus strand (A on the coding strand, the reverse complement: ERCC8 is on the minus strand). VCF-style (leftmost placement, unchanged base first): chr5-60874684-C-CT. GRCh37 (hg19) VCF-style: chr5-60170511-C-CT.
Other names: c.664-2dup (NM_001290285.2); c.949-2dup (NM_001007233.3).
Identifiers: ClinVar variation 5003715 (VCV005003715.1).

ClinVar aggregate classification (germline): Uncertain significance (1 of 4 stars; one submission).

Conditions:
Cockayne syndrome type 1. Also called: Cockayne syndrome type I; Cockayne syndrome classical; Cockayne syndrome classic form. Identifiers: Orphanet 191, Orphanet 90321, MedGen C0751039, MONDO:0019569, OMIM 216400.

Submission:

Myriad Genetics, Inc.
Classification: Uncertain significance for Cockayne syndrome type 1. Last evaluated: 2025-10-01. Review status: criteria provided, single submitter. Criteria: Myriad Autosomal Dominant, Autosomal Recessive and X-Linked Classification Criteria (2023). Collection method: clinical testing. Allele origin: unknown.
Comment: NM_000082.3(ERCC8):c.1123-2dupA is a variant in a canonical splice site classified as a variant of uncertain significance in the context of ERCC8-related disorders. c.1123-2dupA has not been observed in cases with relevant disease. Relevant functional assessments of this variant are not available in the literature. c.1123-2dupA has not been observed in referenced population frequency databases. In summary, there is insufficient evidence to classify NM_000082.3(ERCC8):c.1123-2dupA as pathogenic or benign. Please note: this variant was assessed in the context of healthy population screening.